The following is an entry in ClinVar:

NM_024675.4(PALB2):c.3318G>A (p.Met1106Ile)

Gene: PALB2 (partner and localizer of BRCA2; minus strand). Cytogenetic location: 16p12.2.
Variant type: single nucleotide variant.
Coding change: c.3318G>A on transcript NM_024675.4 (MANE Select); coding-DNA position 3318, G replaced by A.
Protein change: p.Met1106Ile; replaces methionine 1106 with isoleucine.
Molecular consequence: missense variant. On other transcripts: intron variant (8).
Genome position (GRCh38, 1-based): chr16:23,607,896, C>T on the plus strand (G>A on the coding strand, the complement: PALB2 is on the minus strand). VCF-style: chr16-23607896-C-T. GRCh37 (hg19) VCF-style: chr16-23619217-C-T.
Other names: c.3258G>A, p.Met1086Ile (NM_001407296.1); c.3246G>A, p.Met1082Ile (NM_001407297.1); c.3156G>A, p.Met1052Ile (NM_001407298.1); c.3039G>A, p.Met1013Ile (NM_001407300.1); c.2433G>A, p.Met811Ile (NM_001407304.1, NM_001407305.1, NM_001407306.1); c.2271G>A, p.Met757Ile (NM_001407307.1); c.1530G>A, p.Met510Ile (NM_001407312.1); c.852G>A, p.Met284Ile (NM_001407314.1); and 6 more; short protein forms M1013I, M1052I, M811I, M284I, M757I, M1082I, M1086I, M1106I.
Identifiers: ClinVar variation 3019194 (VCV003019194.4), dbSNP rs2142271677, ClinGen allele CA395139414.

ClinVar aggregate classification (germline): Uncertain significance. Review status: criteria provided, multiple submitters, no conflicts (2 of 4 stars). 2 submissions from 2 submitters: Uncertain significance (2). Last evaluated 2024-08-10.

Conditions:
Familial cancer of breast. Also called: hereditary breast carcinoma; BREAST CANCER, FAMILIAL; Hereditary breast cancer. Identifiers: Orphanet 227535, MedGen C0346153, MONDO:0016419, OMIM 114480. Disease mechanism: loss of function.
Hereditary cancer-predisposing syndrome. Also called: Tumor predisposition; Hereditary neoplastic syndrome; Hereditary Cancer Syndrome; Neoplastic Syndromes, Hereditary. Identifiers: Orphanet 140162, MedGen C0027672, MeSH D009386, MONDO:0015356.

Allele frequency attached by ClinVar (database versions not stated): gnomAD exomes below 0.00001.

Submissions (2):

Ambry Genetics
Classification: Uncertain significance for Hereditary cancer-predisposing syndrome. Last evaluated: 2024-08-10. Review status: criteria provided, single submitter. Criteria: Ambry Variant Classification Scheme 2023. Collection method: clinical testing. Allele origin: germline.
Comment: The p.M1106I variant (also known as c.3318G>A), located in coding exon 12 of the PALB2 gene, results from a G to A substitution at nucleotide position 3318. The methionine at codon 1106 is replaced by isoleucine, an amino acid with highly similar properties. This amino acid position is conserved. In addition, this alteration is predicted to be tolerated by in silico analysis. Based on the available evidence, the clinical significance of this variant remains unclear.

Labcorp Genetics (formerly Invitae), Labcorp
Classification: Uncertain significance for Familial cancer of breast. Last evaluated: 2024-01-11. Review status: criteria provided, single submitter. Criteria: Invitae Variant Classification Sherloc (09022015). Collection method: clinical testing. Allele origin: germline.
Comment: This sequence change replaces methionine, which is neutral and non-polar, with isoleucine, which is neutral and non-polar, at codon 1106 of the PALB2 protein (p.Met1106Ile). This variant is not present in population databases (gnomAD no frequency). This variant has not been reported in the literature in individuals affected with PALB2-related conditions. An algorithm developed to predict the effect of missense changes on protein structure and function (PolyPhen-2) suggests that this variant is likely to be tolerated. Studies have shown that this missense change is associated with inconclusive levels of altered splicing (Invitae). In summary, the available evidence is currently insufficient to determine the role of this variant in disease. Therefore, it has been classified as a Variant of Uncertain Significance.